The following is an entry in ClinVar:

NM_004984.4(KIF5A):c.501+2T>C

Gene: KIF5A (kinesin family member 5A; plus strand). Cytogenetic location: 12q13.3.
Variant type: single nucleotide variant.
Coding change: c.501+2T>C on transcript NM_004984.4 (MANE Select); the canonical splice donor site of the intron after coding-DNA position 501, T replaced by C.
Molecular consequence: splice donor variant.
Genome position (GRCh38, 1-based): chr12:57,564,975, T>C. VCF-style: chr12-57564975-T-C. GRCh37 (hg19) VCF-style: chr12-57958758-T-C.
Other names: c.234+2T>C (NM_001354705.2).
Identifiers: ClinVar variation 1709701 (VCV001709701.2), dbSNP rs2540494895, ClinGen allele CA385496283.

ClinVar aggregate classification (germline): Likely pathogenic (1 of 4 stars; one submission).

Conditions:
Hereditary spastic paraplegia 10 (SPG10). Also called: SPASTIC PARAPLEGIA 10 WITH OR WITHOUT PERIPHERAL NEUROPATHY; SPASTIC PARAPLEGIA 10 WITH PERIPHERAL NEUROPATHY; SPASTIC PARAPLEGIA 10, AUTOSOMAL DOMINANT. Identifiers: Orphanet 100991, MedGen C1858712, MONDO:0011408, OMIM 604187.

Submission:

MGZ Medical Genetics Center
Classification: Likely pathogenic for Hereditary spastic paraplegia 10. Last evaluated: 2022-08-01. Review status: criteria provided, single submitter. Criteria: ACMG Guidelines, 2015. Collection method: clinical testing. Allele origin: germline. Affected: yes. Observed: 1 variant allele.
Comment: ACMG criteria applied: PVS1, PM2_SUP